The following is an entry in ClinVar:

NM_005862.3(STAG1):c.2550T>C (p.Gly850=)

Gene: STAG1 (STAG1 cohesin complex component; minus strand). Cytogenetic location: 3q22.3.
Variant type: single nucleotide variant.
Coding change: c.2550T>C on transcript NM_005862.3 (MANE Select); coding-DNA position 2550, T replaced by C.
Protein change: p.Gly850=; no amino-acid change (glycine 850 retained).
Molecular consequence: synonymous variant.
Genome position (GRCh38, 1-based): chr3:136,367,078, A>G on the plus strand (T>C on the coding strand, the complement: STAG1 is on the minus strand). VCF-style: chr3-136367078-A-G. GRCh37 (hg19) VCF-style: chr3-136085920-A-G.
Identifiers: ClinVar variation 3040551 (VCV003040551.4), dbSNP rs755162183, ClinGen allele CA2632543.
Genomic context (GRCh38, chr3:136,367,078, plus strand): 5'-AGCAAGTAGATTCCTTCTTTTATGTAAGGCCTCAATTTTATTAGCTTCATCTTCTTCATC[A>G]CCCTCTAAACACAGATTACAAATTGGTTATGAATTCTGGTACTTTATCCACGTAAAACAA-3'
Protein context (NP_005853.2, residues 840-860): DQDEENQSME[Gly850=]DEEDEANKIE

ClinVar aggregate classification (germline): Likely benign. Review status: criteria provided, single submitter (1 of 4 stars). 2 submissions from 2 submitters: Likely benign (1). 1 of the submissions does not count toward it. Last evaluated 2025-01-27.

Conditions:
STAG1-related disorder. Also called: STAG1-related disorders.

Allele frequency attached by ClinVar (database versions not stated): gnomAD 0.00001; gnomAD exomes 0.00002; ExAC 0.00004.
gnomAD v4.1: 23 of 1,607,622 alleles (0.0014%); highest among the groups gnomAD compares: South Asian, 0.013%; no homozygotes.

Submissions (2):

Labcorp Genetics (formerly Invitae), Labcorp
Classification: Likely benign. Last evaluated: 2025-01-27. Review status: criteria provided, single submitter. Criteria: Invitae Variant Classification Sherloc (09022015). Collection method: clinical testing. Allele origin: germline.

PreventionGenetics, part of Exact Sciences
Classification: Likely benign for STAG1-related condition. Last evaluated: 2019-09-23. Review status: no assertion criteria provided. Collection method: clinical testing. Allele origin: germline. Not counted in ClinVar's aggregate classification.
Comment: This variant is classified as likely benign based on ACMG/AMP sequence variant interpretation guidelines (Richards et al. 2015 PMID: 25741868, with internal and published modifications).